The following is an entry in ClinVar:

ClinVar aggregate classification (germline): Uncertain significance (1 of 4 stars; one submission).

Conditions:
Cardiovascular phenotype. Identifiers: MedGen CN230736.

Allele frequency attached by ClinVar (database versions not stated): gnomAD exomes below 0.00001; TOPMed below 0.00001.

Submission:

Ambry Genetics
Classification: Uncertain significance for Cardiovascular phenotype. Last evaluated: 2023-06-06. Review status: criteria provided, single submitter. Criteria: Ambry Variant Classification Scheme 2023. Collection method: clinical testing. Allele origin: germline.
Comment: The p.P12L variant (also known as c.35C>T), located in coding exon 1 of the DOLK gene, results from a C to T substitution at nucleotide position 35. The proline at codon 12 is replaced by leucine, an amino acid with similar properties. This amino acid position is poorly conserved in available vertebrate species. In addition, this alteration is predicted to be tolerated by in silico analysis. Since supporting evidence is limited at this time, the clinical significance of this alteration remains unclear.

NM_014908.4(DOLK):c.35C>T (p.Pro12Leu)

Gene: DOLK (dolichol kinase; minus strand). Cytogenetic location: 9q34.11.
Variant type: single nucleotide variant.
Coding change: c.35C>T on transcript NM_014908.4 (MANE Select); coding-DNA position 35, C replaced by T.
Protein change: p.Pro12Leu; replaces proline 12 with leucine.
Molecular consequence: missense variant.
Genome position (GRCh38, 1-based): chr9:128,947,269, G>A on the plus strand (C>T on the coding strand, the complement: DOLK is on the minus strand). VCF-style: chr9-128947269-G-A. GRCh37 (hg19) VCF-style: chr9-131709548-G-A.
Other names: short protein forms P12L.
Identifiers: ClinVar variation 2563477 (VCV002563477.2), dbSNP rs1841690520, ClinGen allele CA375128972.
Genomic context (GRCh38, chr9:128,947,269, plus strand): 5'-AGCACCACTGCAAACACTACTGCCGCCTCTGCCAGCACCGATCCACTCAGCGGAGCCCCA[G>A]GCCCCGGGGCCGGAGATGGGCACTCTCGGGTCATATCTCTAGACCTGGGGCTTCACGGAG-3'
Protein context (NP_055723.1, residues 2-22): TRECPSPAPG[Pro12Leu]GAPLSGSVLA